The following is an entry in ClinVar:

ClinVar aggregate classification (germline): Pathogenic (1 of 4 stars; one submission).

Submission:

Labcorp Genetics (formerly Invitae), Labcorp
Classification: Pathogenic. Last evaluated: 2023-06-25. Review status: criteria provided, single submitter. Criteria: Invitae Variant Classification Sherloc (09022015). Collection method: clinical testing. Allele origin: germline.
Comment: For these reasons, this variant has been classified as Pathogenic. This variant has not been reported in the literature in individuals affected with BCS1L-related conditions. This variant is not present in population databases (gnomAD no frequency). This sequence change creates a premature translational stop signal (p.Val23Glyfs*43) in the BCS1L gene. It is expected to result in an absent or disrupted protein product. Loss-of-function variants in BCS1L are known to be pathogenic (PMID: 12215968, 17314340, 19162478, 19508421, 22277166, 25895478).

Literature cited by the submitters: PubMed 12215968; PubMed 17314340; PubMed 19162478; PubMed 19508421; PubMed 22277166; PubMed 25895478.

NM_001079866.2(BCS1L):c.67dup (p.Val23fs)

Gene: BCS1L (BCS1 ubiquinol-cytochrome c reductase complex chaperone; plus strand). Cytogenetic location: 2q35.
Variant type: Duplication.
Coding change: c.67dup on transcript NM_001079866.2 (MANE Select); coding-DNA position 67, one base duplicated (G; older notation c.67dupG).
Protein change: p.Val23fs; shifts the reading frame from valine 23.
Molecular consequence: frameshift variant. On other transcripts: 5 prime UTR variant (5), non-coding transcript variant (1), intron variant (3).
Genome position (GRCh38, 1-based): chr2:218,661,054, G duplicated; the last of 2 consecutive G bases (chr2:218,661,053-218,661,054); duplicating either gives the same sequence. VCF-style (leftmost placement, unchanged base first): chr2-218661052-T-TG. GRCh37 (hg19) VCF-style: chr2-219525775-T-TG.
Other names: c.67dup, p.Val23fs (NM_001371447.1, NM_001371448.1, NM_001371449.1 and 10 more transcripts); c.-410dup (NM_001371453.1, NM_001371454.1, NM_001371455.1 and 2 more transcripts); c.-41+306dup (NM_001371451.1); c.-40-352dup (NM_001318836.2); c.-41-705dup (NM_001371452.1); short protein forms V23fs.
Identifiers: ClinVar variation 2728494 (VCV002728494.3), dbSNP rs2469864130, ClinGen allele CA2697550440.
Genomic context (GRCh38, chr2:218,661,052, plus strand): 5'-CACTTTCAGACTTTATTCTGGCTCTGAAGGACAATCCCTACTTTGGGGCTGGATTTGGGC[T>TG]GGTGGGTGTGGGCACAGCCCTGGCCCTGGCCCGGAAGGGTGTCCAACTGGGCCTGGTGGC-3'